The following is an entry in ClinVar:

NM_182925.5(FLT4):c.503C>T (p.Thr168Met)

Gene: FLT4 (fms related receptor tyrosine kinase 4; minus strand). Cytogenetic location: 5q35.3.
Variant type: single nucleotide variant.
Coding change: c.503C>T on transcript NM_182925.5 (MANE Select); coding-DNA position 503, C replaced by T.
Protein change: p.Thr168Met; replaces threonine 168 with methionine.
Molecular consequence: missense variant.
Genome position (GRCh38, 1-based): chr5:180,630,235, G>A on the plus strand (C>T on the coding strand, the complement: FLT4 is on the minus strand). VCF-style: chr5-180630235-G-A. GRCh37 (hg19) VCF-style: chr5-180057235-G-A.
Other names: c.503C>T, p.Thr168Met (NM_001354989.2, NM_002020.5); short protein forms T168M.
Identifiers: ClinVar variation 3384717 (VCV003384717.1).

ClinVar aggregate classification (germline): Uncertain significance (1 of 4 stars; one submission).

Submission:

Women's Health and Genetics/Laboratory Corporation of America, LabCorp
Classification: Uncertain significance. Last evaluated: 2024-10-14. Review status: criteria provided, single submitter. Criteria: LabCorp Variant Classification Summary - May 2015. Collection method: clinical testing. Allele origin: germline.
Comment: Variant summary: FLT4 c.503C>T (p.Thr168Met) results in a non-conservative amino acid change in the encoded protein sequence. Four of five in-silico tools predict a damaging effect of the variant on protein function. The variant allele was found at a frequency of 2.4e-05 in 249678 control chromosomes. The available data on variant occurrences in the general population are insufficient to allow any conclusion about variant significance. To our knowledge, no occurrence of c.503C>T in individuals affected with FLT4-Related Disorders and no experimental evidence demonstrating its impact on protein function have been reported. No submitters have cited clinical-significance assessments for this variant to ClinVar. Based on the evidence outlined above, the variant was classified as uncertain significance.